The following is an entry in ClinVar:

NM_001184900.3(CARD8):c.536dup (p.Tyr180fs)

Gene: CARD8 (caspase recruitment domain family member 8; minus strand). Cytogenetic location: 19q13.33.
Variant type: Duplication.
Coding change: c.536dup on transcript NM_001184900.3 (MANE Select); coding-DNA position 536, one base duplicated (G; older notation c.536dupG).
Protein change: p.Tyr180fs; shifts the reading frame from tyrosine 180.
Molecular consequence: frameshift variant. On other transcripts: non-coding transcript variant (4).
Genome position (GRCh38, 1-based): chr19:48,231,666, C duplicated on the plus strand (G on the coding strand, the reverse complement: CARD8 is on the minus strand). VCF-style (leftmost placement, unchanged base first): chr19-48231665-T-TC. GRCh37 (hg19) VCF-style: chr19-48734922-T-TC.
Other names: c.386dup, p.Tyr130fs (NM_001184901.1, NM_001351783.2, NM_001351788.2 and 2 more transcripts); c.536dup, p.Tyr180fs (NM_001184902.2, NM_001184903.1, NM_001351782.2); c.221dup, p.Tyr75fs (NM_001351784.2, NM_001351787.2, NM_001351791.2 and 2 more transcripts); c.200dup, p.Tyr68fs (NM_001351786.2); c.293dup, p.Tyr99fs (NM_001351790.2); short protein forms Y130fs, Y180fs, Y68fs, Y75fs, Y99fs.
Identifiers: ClinVar variation 1004190 (VCV001004190.6), dbSNP rs777902590, ClinGen allele CA9547994.

ClinVar aggregate classification (germline): Uncertain significance (1 of 4 stars; one submission).

Allele frequency attached by ClinVar (database versions not stated): ExAC 0.00001; gnomAD 0.00001; gnomAD exomes 0.00002 and 0.00003; TOPMed 0.00003.

Submission:

Labcorp Genetics (formerly Invitae), Labcorp
Classification: Uncertain significance. Last evaluated: 2026-01-26. Review status: criteria provided, single submitter. Criteria: Invitae Variant Classification Sherloc (09022015). Collection method: clinical testing. Allele origin: germline.
Comment: This sequence change creates a premature translational stop signal (p.Tyr130Ilefs*25) in the CARD8 gene. It is expected to result in an absent or disrupted protein product. However, the current clinical and genetic evidence is not sufficient to establish whether loss-of-function variants in CARD8 cause disease. This variant is present in population databases (rs777902590, gnomAD 0.02%). This variant has not been reported in the literature in individuals affected with CARD8-related conditions. ClinVar contains an entry for this variant (Variation ID: 1004190). In summary, the available evidence is currently insufficient to determine the role of this variant in disease. Therefore, it has been classified as a Variant of Uncertain Significance.